The following is an entry in ClinVar:

ClinVar aggregate classification (germline): Uncertain significance. Review status: criteria provided, multiple submitters, no conflicts (2 of 4 stars). 2 submissions from 2 submitters: Uncertain significance (2). Last evaluated 2025-01-23.

Conditions:
DICER1-related tumor predisposition. Also called: DICER1-related pleuropulmonary blastoma cancer predisposition syndrome; DICER1 syndrome. Identifiers: Orphanet 284343, MedGen C3839822, MONDO:0100216.
Hereditary cancer-predisposing syndrome. Also called: Hereditary neoplastic syndrome; Neoplastic Syndromes, Hereditary; Tumor predisposition; Hereditary Cancer Syndrome. Identifiers: Orphanet 140162, MedGen C0027672, MeSH D009386, MONDO:0015356.

gnomAD v4.1: 11 of 1,614,068 alleles (0.00068%); highest among the groups gnomAD compares: Non-Finnish European, 0.00093%; no homozygotes.

Submissions (2):

Ambry Genetics
Classification: Uncertain significance for Hereditary cancer-predisposing syndrome. Last evaluated: 2025-01-23. Review status: criteria provided, single submitter. Criteria: Ambry Variant Classification Scheme 2023. Collection method: clinical testing. Allele origin: germline.
Comment: The p.M24I variant (also known as c.72G>A), located in coding exon 1 of the DICER1 gene, results from a G to A substitution at nucleotide position 72. The methionine at codon 24 is replaced by isoleucine, an amino acid with highly similar properties. This amino acid position is highly conserved in available vertebrate species. In addition, the in silico prediction for this alteration is inconclusive. Based on the available evidence, the clinical significance of this variant remains unclear.

Labcorp Genetics (formerly Invitae), Labcorp
Classification: Uncertain significance for DICER1-related tumor predisposition. Last evaluated: 2024-11-15. Review status: criteria provided, single submitter. Criteria: Invitae Variant Classification Sherloc (09022015). Collection method: clinical testing. Allele origin: germline.
Comment: This sequence change replaces methionine, which is neutral and non-polar, with isoleucine, which is neutral and non-polar, at codon 24 of the DICER1 protein (p.Met24Ile). This variant is present in population databases (rs751520020, gnomAD 0.006%). This variant has not been reported in the literature in individuals affected with DICER1-related conditions. ClinVar contains an entry for this variant (Variation ID: 485535). Invitae Evidence Modeling of protein sequence and biophysical properties (such as structural, functional, and spatial information, amino acid conservation, physicochemical variation, residue mobility, and thermodynamic stability) indicates that this missense variant is not expected to disrupt DICER1 protein function with a negative predictive value of 95%. Algorithms developed to predict the effect of sequence changes on RNA splicing suggest that this variant may create or strengthen a splice site. In summary, the available evidence is currently insufficient to determine the role of this variant in disease. Therefore, it has been classified as a Variant of Uncertain Significance.

NM_177438.3(DICER1):c.72G>A (p.Met24Ile)

Gene: DICER1 (dicer 1, ribonuclease III; minus strand). Cytogenetic location: 14q32.13.
Variant type: single nucleotide variant.
Coding change: c.72G>A on transcript NM_177438.3 (MANE Select); coding-DNA position 72, G replaced by A.
Protein change: p.Met24Ile; replaces methionine 24 with isoleucine.
Molecular consequence: missense variant.
Genome position (GRCh38, 1-based): chr14:95,133,387, C>T on the plus strand (G>A on the coding strand, the complement: DICER1 is on the minus strand). VCF-style: chr14-95133387-C-T. GRCh37 (hg19) VCF-style: chr14-95599724-C-T.
Other names: c.72G>A, p.Met24Ile (NM_001195573.1, NM_001271282.3, NM_001291628.2 and 1 more transcripts); short protein forms M24I.
Identifiers: ClinVar variation 485535 (VCV000485535.18), dbSNP rs751520020, ClinGen allele CA7331753.